The following is an entry in ClinVar:

ClinVar aggregate classification (germline): Pathogenic. Review status: criteria provided, multiple submitters, no conflicts (2 of 4 stars). 4 submissions from 4 submitters: Pathogenic (4). Last evaluated 2023-06-09.

Conditions:
Cardiovascular phenotype. Identifiers: MedGen CN230736.
Hereditary cancer-predisposing syndrome. Also called: Tumor predisposition; Hereditary neoplastic syndrome; Neoplastic Syndromes, Hereditary; Hereditary Cancer Syndrome. Identifiers: Orphanet 140162, MedGen C0027672, MeSH D009386, MONDO:0015356.
Neurofibromatosis, type 1 (NF1). Also called: NEUROFIBROMATOSIS, TYPE I, SOMATIC; Peripheral type neurofibromatosis; VON RECKLINGHAUSEN DISEASE; Neurofibromatosis, type I. Identifiers: Orphanet 636, MedGen C0027831, MONDO:0018975, OMIM 162200. Disease mechanism: loss of function.

Submissions (4):

Ambry Genetics
Classification: Pathogenic for Cardiovascular phenotype; Hereditary cancer-predisposing syndrome. Last evaluated: 2023-06-09. Review status: criteria provided, single submitter. Criteria: Ambry Variant Classification Scheme 2023. Collection method: clinical testing. Allele origin: germline.
Comment: The p.Y1668* pathogenic mutation (also known as c.5004C>A), located in coding exon 36 of the NF1 gene, results from a C to A substitution at nucleotide position 5004. This changes the amino acid from a tyrosine to a stop codon within coding exon 36. This alteration has been observed in at least one individual with a personal and/or family history that is consistent with NF1-related disease (Ambry internal data). This alteration is expected to result in loss of function by premature protein truncation or nonsense-mediated mRNA decay. As such, this alteration is interpreted as a disease-causing mutation.

Genome-Nilou Lab
Classification: Pathogenic for Neurofibromatosis, type 1. Last evaluated: 2022-03-15. Review status: criteria provided, single submitter. Criteria: ACMG Guidelines, 2015. Collection method: clinical testing. Allele origin: germline. Affected: no.

Labcorp Genetics (formerly Invitae), Labcorp
Classification: Pathogenic for Neurofibromatosis, type 1. Last evaluated: 2020-11-05. Review status: criteria provided, single submitter. Criteria: Invitae Variant Classification Sherloc (09022015). Collection method: clinical testing. Allele origin: germline.
Comment: This sequence change creates a premature translational stop signal (p.Tyr1668*) in the NF1 gene. It is expected to result in an absent or disrupted protein product. Loss-of-function variants in NF1 are known to be pathogenic (PMID: 10712197, 23913538). This variant is not present in population databases (ExAC no frequency). This variant has not been reported in the literature in individuals with NF1-related conditions. For these reasons, this variant has been classified as Pathogenic.

Athena Diagnostics
Classification: Pathogenic. Last evaluated: 2020-10-13. Review status: criteria provided, single submitter. Criteria: Athena Diagnostics criteria. Collection method: clinical testing. Allele origin: unknown.
Comment: This variant is expected to result in the loss of a functional protein. This variant has not been reported in large, multi-ethnic general populations. This variant has been identified in at least one individual with clinical features associated with this gene.

Literature cited by the submitters: PubMed 10712197 (cited by Labcorp Genetics (formerly Invitae), Labcorp); PubMed 23913538 (cited by Labcorp Genetics (formerly Invitae), Labcorp).

NM_001042492.3(NF1):c.5067C>A (p.Tyr1689Ter)

Gene: NF1 (neurofibromin 1; plus strand). Cytogenetic location: 17q11.2.
Variant type: single nucleotide variant.
Coding change: c.5067C>A on transcript NM_001042492.3 (MANE Select); coding-DNA position 5067, C replaced by A.
Protein change: p.Tyr1689Ter; replaces tyrosine 1689 with a stop codon.
Molecular consequence: nonsense.
Genome position (GRCh38, 1-based): chr17:31,326,051, C>A. VCF-style: chr17-31326051-C-A. GRCh37 (hg19) VCF-style: chr17-29653069-C-A.
Other names: c.5004C>A, p.Tyr1668Ter (NM_000267.4); short protein forms Y1668*, Y1689*.
Identifiers: ClinVar variation 1256430 (VCV001256430.9), dbSNP rs756708811, ClinGen allele CA399007440.